The following is an entry in ClinVar:

NM_002382.5(MAX):c.360C>A (p.Asn120Lys)

Gene: MAX (MYC associated transcriptional regulator X; minus strand). Cytogenetic location: 14q23.3.
Variant type: single nucleotide variant.
Coding change: c.360C>A on transcript NM_002382.5 (MANE Select); coding-DNA position 360, C replaced by A.
Protein change: p.Asn120Lys; replaces asparagine 120 with lysine.
Molecular consequence: missense variant. On other transcripts: 3 prime UTR variant (1), intron variant (2).
Genome position (GRCh38, 1-based): chr14:65,076,599, G>T on the plus strand (C>A on the coding strand, the complement: MAX is on the minus strand). VCF-style: chr14-65076599-G-T. GRCh37 (hg19) VCF-style: chr14-65543317-G-T.
Other names: c.171C>A, p.Asn57Lys (NM_001320415.2, NM_001407105.1, NM_001407106.1 and 1 more transcripts); c.360C>A, p.Asn120Lys (NM_001407094.1); c.333C>A, p.Asn111Lys (NM_001407095.1, NM_145112.3); c.*133C>A (NM_001407096.1, NM_001407099.1, NM_001407102.1 and 2 more transcripts); c.*149C>A (NM_001407097.1, NM_001407100.1, NM_001407101.1 and 4 more transcripts); c.252C>A, p.Asn84Lys (NM_001407098.1); c.159C>A, p.Asn53Lys (NM_001407111.1, NM_001407112.1); c.144+17109C>A (NM_001271069.2); and 1 more; short protein forms N120K, N57K, N111K, N84K, N53K.
Identifiers: ClinVar variation 463808 (VCV000463808.13), dbSNP rs1555340209, ClinGen allele CA390031792.

ClinVar aggregate classification (germline): Uncertain significance. Review status: criteria provided, multiple submitters, no conflicts (2 of 4 stars). 3 submissions from 3 submitters: Uncertain significance (3). Last evaluated 2025-11-10.

Conditions:
Hereditary cancer-predisposing syndrome. Also called: Neoplastic Syndromes, Hereditary; Hereditary neoplastic syndrome; Tumor predisposition; Hereditary Cancer Syndrome. Identifiers: Orphanet 140162, MedGen C0027672, MeSH D009386, MONDO:0015356.
Hereditary pheochromocytoma and paraganglioma. Also called: Hereditary Paraganglioma-Pheochromocytoma Syndromes; Hereditary paragangliomas and pheochromocytomas; Hereditary pheochromocytoma-paraganglioma. Identifiers: Orphanet 29072, MedGen C4274332, MONDO:0017366.

gnomAD v4.1: 20 of 1,614,148 alleles (0.0012%); highest among the groups gnomAD compares: Non-Finnish European, 0.0016%; no homozygotes.

Submissions (3):

Labcorp Genetics (formerly Invitae), Labcorp
Classification: Uncertain significance for Hereditary pheochromocytoma and paraganglioma. Last evaluated: 2025-11-10. Review status: criteria provided, single submitter. Criteria: Invitae Variant Classification Sherloc (09022015). Collection method: clinical testing. Allele origin: germline.
Comment: This sequence change replaces asparagine, which is neutral and polar, with lysine, which is basic and polar, at codon 120 of the MAX protein (p.Asn120Lys). This variant is not present in population databases (gnomAD no frequency). This variant has not been reported in the literature in individuals affected with MAX-related conditions. ClinVar contains an entry for this variant (Variation ID: 463808). An algorithm developed to predict the effect of missense changes on protein structure and function (PolyPhen-2) suggests that this variant is likely to be tolerated. In summary, the available evidence is currently insufficient to determine the role of this variant in disease. Therefore, it has been classified as a Variant of Uncertain Significance.

Ambry Genetics
Classification: Uncertain significance for Hereditary cancer-predisposing syndrome. Last evaluated: 2024-11-22. Review status: criteria provided, single submitter. Criteria: Ambry Variant Classification Scheme 2023. Collection method: clinical testing. Allele origin: germline.
Comment: The p.N120K variant (also known as c.360C>A), located in coding exon 5 of the MAX gene, results from a C to A substitution at nucleotide position 360. The asparagine at codon 120 is replaced by lysine, an amino acid with similar properties. This amino acid position is conserved. In addition, this alteration is predicted to be tolerated by in silico analysis. Since supporting evidence is limited at this time, the clinical significance of this alteration remains unclear.

GeneDx
Classification: Uncertain significance. Last evaluated: 2023-03-10. Review status: criteria provided, single submitter. Criteria: GeneDx Variant Classification Process June 2021. Collection method: clinical testing. Allele origin: germline. Affected: yes.
Comment: Not observed at significant frequency in large population cohorts (gnomAD); In silico analysis supports that this missense variant has a deleterious effect on protein structure/function; Has not been previously published as pathogenic or benign to our knowledge